The following is an entry in ClinVar:

NM_001005361.3(DNM2):c.1128+5T>G

Gene: DNM2 (dynamin 2; plus strand). Cytogenetic location: 19p13.2.
Variant type: single nucleotide variant.
Coding change: c.1128+5T>G on transcript NM_001005361.3 (MANE Select); 5 bases into the intron after coding-DNA position 1128, T replaced by G.
Molecular consequence: intron variant.
Genome position (GRCh38, 1-based): chr19:10,793,860, T>G. VCF-style: chr19-10793860-T-G. GRCh37 (hg19) VCF-style: chr19-10904536-T-G.
Other names: c.1128+5T>G (NM_001005360.3, NM_001190716.2, NM_004945.4 and 1 more transcripts).
Identifiers: ClinVar variation 1490793 (VCV001490793.8), dbSNP rs2071835923, ClinGen allele CA993484755.

ClinVar aggregate classification (germline): Uncertain significance. Review status: criteria provided, multiple submitters, no conflicts (2 of 4 stars). 2 submissions from 2 submitters: Uncertain significance (2). Last evaluated 2023-12-22.

Conditions:
Inborn genetic diseases. Identifiers: MedGen C0950123, MeSH D030342.
Charcot-Marie-Tooth disease dominant intermediate B (CMTDIB). Also called: Charcot-Marie-Tooth disease dominant intermediate 1; CMT DI1; Charcot-Marie-Tooth disease dominant intermediate I; CHARCOT-MARIE-TOOTH NEUROPATHY, DOMINANT INTERMEDIATE B. Identifiers: Orphanet 100044, Orphanet 228179, MedGen C1847902, MONDO:0011674, OMIM 606482.

Allele frequency attached by ClinVar (database versions not stated): gnomAD 0.00001.
gnomAD v4.1: 6 of 1,614,046 alleles (0.00037%); highest among the groups gnomAD compares: Non-Finnish European, 0.00051%; no homozygotes.

Submissions (2):

Labcorp Genetics (formerly Invitae), Labcorp
Classification: Uncertain significance for Charcot-Marie-Tooth disease dominant intermediate B. Last evaluated: 2023-12-22. Review status: criteria provided, single submitter. Criteria: Invitae Variant Classification Sherloc (09022015). Collection method: clinical testing. Allele origin: germline.
Comment: This sequence change falls in intron 8 of the DNM2 gene. It does not directly change the encoded amino acid sequence of the DNM2 protein. It affects a nucleotide within the consensus splice site. This variant is not present in population databases (gnomAD no frequency). This variant has not been reported in the literature in individuals affected with DNM2-related conditions. ClinVar contains an entry for this variant (Variation ID: 1490793). Variants that disrupt the consensus splice site are a relatively common cause of aberrant splicing (PMID: 17576681, 9536098). Algorithms developed to predict the effect of sequence changes on RNA splicing suggest that this variant is not likely to affect RNA splicing. In summary, the available evidence is currently insufficient to determine the role of this variant in disease. Therefore, it has been classified as a Variant of Uncertain Significance.

Ambry Genetics
Classification: Uncertain significance for Inborn genetic diseases. Last evaluated: 2021-06-07. Review status: criteria provided, single submitter. Criteria: Ambry Variant Classification Scheme 2023. Collection method: clinical testing. Allele origin: germline.
Comment: The c.1128+5T>G intronic variant results from a T to G substitution 5 nucleotides after coding exon 8 in the DNM2 gene. This nucleotide position is poorly conserved in available vertebrate species. In silico splice site analysis predicts that this alteration will not have any significant effect on splicing. Since supporting evidence is limited at this time, the clinical significance of this alteration remains unclear.

Literature cited by the submitters: PubMed 17576681 (cited by Labcorp Genetics (formerly Invitae), Labcorp); PubMed 9536098 (cited by Labcorp Genetics (formerly Invitae), Labcorp).